The following is an entry in ClinVar:

ClinVar aggregate classification (germline): Uncertain significance. Review status: criteria provided, multiple submitters, no conflicts (2 of 4 stars). 2 submissions from 2 submitters: Uncertain significance (2). Last evaluated 2025-03-05.

Conditions:
Inborn genetic diseases. Identifiers: MedGen C0950123, MeSH D030342.

Allele frequency attached by ClinVar (database versions not stated): gnomAD exomes 0.00001.
gnomAD v4.1: 8 of 1,600,734 alleles (0.0005%); highest among the groups gnomAD compares: Admixed American, 0.011%; no homozygotes.

Submissions (2):

Ambry Genetics
Classification: Uncertain significance for Inborn genetic diseases. Last evaluated: 2025-03-05. Review status: criteria provided, single submitter. Criteria: Ambry Variant Classification Scheme 2023. Collection method: clinical testing. Allele origin: germline.

Labcorp Genetics (formerly Invitae), Labcorp
Classification: Uncertain significance. Last evaluated: 2023-08-17. Review status: criteria provided, single submitter. Criteria: Invitae Variant Classification Sherloc (09022015). Collection method: clinical testing. Allele origin: germline.
Comment: This variant is present in population databases (rs780886318, gnomAD 0.02%). This sequence change replaces alanine, which is neutral and non-polar, with threonine, which is neutral and polar, at codon 174 of the EPRS protein (p.Ala174Thr). This variant has not been reported in the literature in individuals affected with EPRS-related conditions. In summary, the available evidence is currently insufficient to determine the role of this variant in disease. Therefore, it has been classified as a Variant of Uncertain Significance. Algorithms developed to predict the effect of missense changes on protein structure and function output the following: SIFT: "Not Available"; PolyPhen-2: "Benign"; Align-GVGD: "Not Available". The threonine amino acid residue is found in multiple mammalian species, which suggests that this missense change does not adversely affect protein function. ClinVar contains an entry for this variant (Variation ID: 1925697).

NM_004446.3(EPRS1):c.520G>A (p.Ala174Thr)

Gene: EPRS1 (glutamyl-prolyl-tRNA synthetase 1; minus strand). Cytogenetic location: 1q41.
Variant type: single nucleotide variant.
Coding change: c.520G>A on transcript NM_004446.3 (MANE Select); coding-DNA position 520, G replaced by A.
Protein change: p.Ala174Thr; replaces alanine 174 with threonine.
Molecular consequence: missense variant.
Genome position (GRCh38, 1-based): chr1:220,032,395, C>T on the plus strand (G>A on the coding strand, the complement: EPRS1 is on the minus strand). VCF-style: chr1-220032395-C-T. GRCh37 (hg19) VCF-style: chr1-220205737-C-T.
Other names: c.520G>A (NM_004446.2); short protein forms A174T.
Identifiers: ClinVar variation 1925697 (VCV001925697.6), dbSNP rs780886318, ClinGen allele CA1400538.